The following is an entry in ClinVar:

NM_017838.4(NHP2):c.144del (p.Leu47_Tyr48insTer)

Gene: NHP2 (NHP2 ribonucleoprotein; minus strand). Cytogenetic location: 5q35.3.
Variant type: Deletion.
Coding change: c.144del on transcript NM_017838.4 (MANE Select); coding-DNA position 144, one base deleted (C; older notation c.144delC).
Protein change: p.Leu47_Tyr48insTer.
Molecular consequence: nonsense.
Genome position (GRCh38, 1-based): chr5:178,153,674, G deleted on the plus strand (C on the coding strand, the reverse complement: NHP2 is on the minus strand). VCF-style (leftmost placement, unchanged base first): chr5-178153673-TG-T. GRCh37 (hg19) VCF-style: chr5-177580674-TG-T.
Other names: c.144del, p.Leu47_Tyr48insTer (NM_001034833.2, NM_001396110.1).
Identifiers: ClinVar variation 4808470 (VCV004808470.1).

ClinVar aggregate classification (germline): Uncertain significance (1 of 4 stars; one submission).

Conditions:
Dyskeratosis congenita. Identifiers: Orphanet 1775, MedGen C0265965, MONDO:0015780.

Submission:

Labcorp Genetics (formerly Invitae), Labcorp
Classification: Uncertain significance for Dyskeratosis congenita. Last evaluated: 2025-10-27. Review status: criteria provided, single submitter. Criteria: Invitae Variant Classification Sherloc (09022015). Collection method: clinical testing. Allele origin: germline.
Comment: This sequence change creates a premature translational stop signal (p.Tyr48*) in the NHP2 gene. It is expected to result in an absent or disrupted protein product. However, the current clinical and genetic evidence is not sufficient to establish whether loss-of-function variants in NHP2 cause disease. This variant is present in population databases (no rsID available, gnomAD 0.0009%). This variant has not been reported in the literature in individuals affected with NHP2-related conditions. In summary, the available evidence is currently insufficient to determine the role of this variant in disease. Therefore, it has been classified as a Variant of Uncertain Significance.